The following is an entry in ClinVar:

ClinVar aggregate classification (germline): Uncertain significance (1 of 4 stars; one submission).

Conditions:
Familial adenomatous polyposis 1 (FAP1). Also called: POLYPOSIS, ADENOMATOUS INTESTINAL; FAMILIAL ADENOMATOUS POLYPOSIS 1, ATTENUATED. Identifiers: MedGen C2713442, MONDO:0021056, OMIM 175100. Disease mechanism: loss of function.

Submission:

Labcorp Genetics (formerly Invitae), Labcorp
Classification: Uncertain significance for Familial adenomatous polyposis 1. Last evaluated: 2022-10-12. Review status: criteria provided, single submitter. Criteria: Invitae Variant Classification Sherloc (09022015). Collection method: clinical testing. Allele origin: germline.
Comment: In summary, the available evidence is currently insufficient to determine the role of this variant in disease. Therefore, it has been classified as a Variant of Uncertain Significance. Advanced modeling of protein sequence and biophysical properties (such as structural, functional, and spatial information, amino acid conservation, physicochemical variation, residue mobility, and thermodynamic stability) performed at Invitae indicates that this missense variant is not expected to disrupt APC protein function. ClinVar contains an entry for this variant (Variation ID: 855306). This variant has not been reported in the literature in individuals affected with APC-related conditions. This variant is not present in population databases (gnomAD no frequency). This sequence change replaces proline, which is neutral and non-polar, with threonine, which is neutral and polar, at codon 2536 of the APC protein (p.Pro2536Thr).

NM_000038.6(APC):c.7606C>A (p.Pro2536Thr)

Gene: APC (APC regulator of Wnt signaling pathway; plus strand). Cytogenetic location: 5q22.2.
Variant type: single nucleotide variant.
Coding change: c.7606C>A on transcript NM_000038.6 (MANE Select); coding-DNA position 7606, C replaced by A.
Protein change: p.Pro2536Thr; replaces proline 2536 with threonine.
Molecular consequence: missense variant.
Genome position (GRCh38, 1-based): chr5:112,843,200, C>A. VCF-style: chr5-112843200-C-A. GRCh37 (hg19) VCF-style: chr5-112178897-C-A.
Other names: c.7606C>A, p.Pro2536Thr (NM_001127510.3, NM_001354895.2); c.7552C>A, p.Pro2518Thr (NM_001127511.3); c.7660C>A, p.Pro2554Thr (NM_001354896.2); c.7636C>A, p.Pro2546Thr (NM_001354897.2); c.7531C>A, p.Pro2511Thr (NM_001354898.2); c.7522C>A, p.Pro2508Thr (NM_001354899.2); c.7483C>A, p.Pro2495Thr (NM_001354900.2); c.7429C>A, p.Pro2477Thr (NM_001354901.2); and 5 more; short protein forms P2435T, P2445T, P2376T, P2410T, P2477T, P2511T, P2554T, P2253T.
Identifiers: ClinVar variation 855306 (VCV000855306.11), dbSNP rs1561616981, ClinGen allele CA16037855.